The following is an entry in ClinVar:

ClinVar aggregate classification (germline): Benign (1 of 4 stars; one submission).

Allele frequency attached by ClinVar (database versions not stated): TOPMed 0.78642; gnomAD 0.80017 and 0.80260; 1000 Genomes Project 0.80691.
gnomAD v4.1: 110,419 of 138,056 alleles (80%); highest among the groups gnomAD compares: African/African-American, 94%; 43,716 homozygotes.

Submission:

GeneDx
Classification: Benign. Last evaluated: 2018-06-16. Review status: criteria provided, single submitter. Criteria: GeneDx Variant Classification (06012015). Collection method: clinical testing. Allele origin: germline. Affected: yes.
Comment: This variant is considered likely benign or benign based on one or more of the following criteria: it is a conservative change, it occurs at a poorly conserved position in the protein, it is predicted to be benign by multiple in silico algorithms, and/or has population frequency not consistent with disease.

NM_173660.5(DOK7):c.772+198T>C

Gene: DOK7 (docking protein 7; plus strand). Cytogenetic location: 4p16.3.
Variant type: single nucleotide variant.
Coding change: c.772+198T>C on transcript NM_173660.5 (MANE Select); 198 bases into the intron after coding-DNA position 772, T replaced by C.
Molecular consequence: intron variant.
Genome position (GRCh38, 1-based): chr4:3,489,994, T>C. VCF-style: chr4-3489994-T-C. GRCh37 (hg19) VCF-style: chr4-3491721-T-C.
Other names: c.772+198T>C (NM_001301071.2); c.340+198T>C (NM_001363811.2); c.761+198T>C (NM_001164673.2); c.-159+198T>C (NM_001256896.2).
Identifiers: ClinVar variation 679329 (VCV000679329.1), dbSNP rs2699418, ClinGen allele CA11770416.